The following is an entry in ClinVar:

ClinVar aggregate classification (germline): Pathogenic. Review status: reviewed by expert panel (3 of 4 stars). 2 submissions from 2 submitters: Pathogenic (1). 1 of the submissions does not count toward it. Last evaluated 2026-09-26.

Conditions:
Juvenile retinoschisis (RS1). Also called: X-linked retinoschisis; X-Linked Juvenile Retinoschisis. Identifiers: Orphanet 792, MedGen C3714753, MONDO:0010725, OMIM 312700.

Submissions (2):

ClinGen X-linked Inherited Retinal Disease Variant Curation Expert Panel, ClinGen
Classification: Pathogenic for Juvenile retinoschisis. Last evaluated: 2026-09-26. Review status: reviewed by expert panel. Criteria: ClinGen X LinkedIRD ACMG Specifications RS1 V1.0.0. Collection method: curation. Allele origin: germline. Inheritance: X-linked inheritance.
Comment: NM_000330.4(RS1):c.354delinsGGTGTGCCTGGCTCTCCA (p.Asp118GlufsTer14) is an indel variant consisting of a one-nucleotide deletion and 18-nucleotide insertion, which introduces a premature stop codon in exon 5 of 6 and is predicted to trigger nonsense-mediated decay (PVS1). A minigene assay showed detected no RS1 expression from the mutant minigene, likely due to premature termination of translation and rapid degradation of the truncated protein (PMID: 19474399). This variant is absent from hemizygous individuals in gnomAD v4.1.0 (PM2_Supporting). At least one proband harboring this variant exhibits a phenotype including the appearance of schisis and reduced visual acuity before age 13 years, and showing retinal detachment, which together are highly specific for X-linked retinoschisis (PMID: 19474399, PP4_Moderate). The variant has been reported to segregate with retinal dystrophy through >3 meioses in one family (PP1_Strong; PMID: 19474399). In summary, this variant is classified as pathogenic for X-linked retinoschisis based on the ClinGen X-linked Inherited Retinal Disease Expert Panel Specifications to the ACMG/AMP Variant Interpretation Guidelines for RS1 Version 1.0.0: PM2_Supporting, PVS1, PP4_Moderate, and PP1_Strong.

Myriad Genetics, Inc.
Classification: Pathogenic for Juvenile retinoschisis. Last evaluated: 2025-04-24. Review status: criteria provided, single submitter. Criteria: Myriad Autosomal Dominant, Autosomal Recessive and X-Linked Classification Criteria (2023). Collection method: clinical testing. Allele origin: unknown. Not counted in ClinVar's aggregate classification.
Comment: NM_000330.3(RS1):c.354del1ins18(D118Efs*14) is a frameshift variant classified as pathogenic in the context of X-linked juvenile retinoschisis. D118Efs*14 has been observed in cases with relevant disease (PMID: 19474399). Relevant functional assessments of this variant are available in the literature (PMID: 19474399). D118Efs*14 has not been observed in referenced population frequency databases. In summary, NM_000330.3(RS1):c.354del1ins18(D118Efs*14) is a frameshift variant in a gene where loss of function is a known mechanism of disease, is predicted to disrupt protein function, and has been observed more frequently in cases with the relevant disease than in healthy populations. Please note: this variant was assessed in the context of healthy population screening.

Literature cited by the submitters: PubMed 19474399 (cited by Myriad Genetics, Inc.).

NM_000330.4(RS1):c.354delinsGGTGTGCCTGGCTCTCCA (p.Asp118fs)

Genes: CDKL5 (cyclin dependent kinase like 5; plus strand), RS1 (retinoschisin 1; minus strand). Cytogenetic location: Xp22.13.
Variant type: Indel.
Coding change: c.354delinsGGTGTGCCTGGCTCTCCA on transcript NM_000330.4 (MANE Select); coding-DNA position 354, C replaced by GGTGTGCCTGGCTCTCCA.
Protein change: p.Asp118fs; shifts the reading frame from aspartic acid 118.
Molecular consequence: frameshift variant. On other transcripts: intron variant (2).
Genome position (GRCh38, 1-based): chrX:18,644,598, G replaced by TGGAGAGCCAGGCACACC on the plus strand (C replaced by GGTGTGCCTGGCTCTCCA on the coding strand, the reverse complement: RS1 is on the minus strand). VCF-style: chrX-18644598-G-TGGAGAGCCAGGCACACC. GRCh37 (hg19) VCF-style: chrX-18662718-G-TGGAGAGCCAGGCACACC.
Other names: NM_000330.4(RS1):c.354delinsGGTGTGCCTGGCTCTCCA; p.Asp118fs; c.2714-1409delinsTGGAGAGCCAGGCACACC (NM_003159.3, NM_001037343.2); short protein forms D118fs.
Identifiers: ClinVar variation 4081778 (VCV004081778.2).
Genomic context (GRCh38, chrX:18,644,598, plus strand): 5'-GGTGAGGATCCCTGAAATCACTTTGATCTCCTTCAGATCTATCTGTAACCACTGGCTACT[G>TGGAGAGCCAGGCACACC]TCCTGGAACTTGGAGAGCCAGGCACACCTGCCGAGAACATACCGAGTCACCGAGAGACTC-3'